The following is an entry in ClinVar:

ClinVar aggregate classification (germline): Uncertain significance (1 of 4 stars; one submission).

Submission:

GeneDx
Classification: Uncertain significance. Last evaluated: 2022-05-23. Review status: criteria provided, single submitter. Criteria: GeneDx Variant Classification Process June 2021. Collection method: clinical testing. Allele origin: germline. Affected: yes.
Comment: Not observed at significant frequency in large population cohorts (gnomAD); In silico analysis supports that this missense variant has a deleterious effect on protein structure/function; Has not been previously published as pathogenic or benign to our knowledge

NM_001367534.1(CAMK2G):c.730G>A (p.Glu244Lys)

Gene: CAMK2G (calcium/calmodulin dependent protein kinase II gamma; minus strand). Cytogenetic location: 10q22.2.
Variant type: single nucleotide variant.
Coding change: c.730G>A on transcript NM_001367534.1 (MANE Select); coding-DNA position 730, G replaced by A.
Protein change: p.Glu244Lys; replaces glutamic acid 244 with lysine.
Molecular consequence: missense variant. On other transcripts: 5 prime UTR variant (1), non-coding transcript variant (8).
Genome position (GRCh38, 1-based): chr10:73,847,314, C>T on the plus strand (G>A on the coding strand, the complement: CAMK2G is on the minus strand). VCF-style: chr10-73847314-C-T. GRCh37 (hg19) VCF-style: chr10-75607072-C-T.
Other names: c.730G>A, p.Glu244Lys (NM_001204492.2, NM_001222.4, NM_001320898.2 and 28 more transcripts); c.706G>A, p.Glu236Lys (NM_001367514.1, NM_001367525.1, NM_001367532.1); c.484G>A, p.Glu162Lys (NM_001367524.1, NM_001367539.1); c.418G>A, p.Glu140Lys (NM_001367537.1, NM_001367538.1); c.64G>A, p.Glu22Lys (NM_001367540.1); c.-24G>A (NM_001367542.1); short protein forms E140K, E162K, E22K, E236K, E244K.
Identifiers: ClinVar variation 1801083 (VCV001801083.1), dbSNP rs2134745451, ClinGen allele CA377248310.